The following is an entry in ClinVar:

ClinVar aggregate classification (germline): Uncertain significance (1 of 4 stars; one submission).

Conditions:
PKD2-related disorder. Also called: PKD2-related condition.

Allele frequency attached by ClinVar (database versions not stated): gnomAD exomes below 0.00001.
gnomAD v4.1: 3 of 1,613,542 alleles (0.00019%); highest among the groups gnomAD compares: Non-Finnish European, 0.00025%; no homozygotes.

Submission:

PreventionGenetics, part of Exact Sciences
Classification: Uncertain significance for PKD2-related condition. Last evaluated: 2023-05-09. Review status: criteria provided, single submitter. Criteria: ACMG Guidelines, 2015. Collection method: clinical testing. Allele origin: germline.
Comment: The PKD2 c.1024A>G variant is predicted to result in the amino acid substitution p.Lys342Glu. To our knowledge, this variant has not been reported in the literature or in a large population database, indicating this variant is rare. At this time, the clinical significance of this variant is uncertain due to the absence of conclusive functional and genetic evidence.

NM_000297.4(PKD2):c.1024A>G (p.Lys342Glu)

Gene: PKD2 (polycystin 2, transient receptor potential cation channel; plus strand). Cytogenetic location: 4q22.1.
Variant type: single nucleotide variant.
Coding change: c.1024A>G on transcript NM_000297.4 (MANE Select); coding-DNA position 1024, A replaced by G.
Protein change: p.Lys342Glu; replaces lysine 342 with glutamic acid.
Molecular consequence: missense variant. On other transcripts: non-coding transcript variant (1).
Genome position (GRCh38, 1-based): chr4:88,038,431, A>G. VCF-style: chr4-88038431-A-G. GRCh37 (hg19) VCF-style: chr4-88959583-A-G.
Other names: short protein forms K342E.
Identifiers: ClinVar variation 2633236 (VCV002633236.1), dbSNP rs2475901729, ClinGen allele CA357633041.